The following is an entry in ClinVar:

ClinVar aggregate classification (germline): Conflicting classifications of pathogenicity. Review status: criteria provided, conflicting classifications (1 of 4 stars). 2 submissions from 2 submitters: Uncertain significance (1); Likely benign (1). Last evaluated 2026-02-18.

gnomAD v4.1: 17 of 1,608,194 alleles (0.0011%); highest among the groups gnomAD compares: African/African-American, 0.0027%; no homozygotes.

Submissions (2):

Women's Health and Genetics/Laboratory Corporation of America, LabCorp
Classification: Uncertain significance. Last evaluated: 2026-02-18. Review status: criteria provided, single submitter. Criteria: LabCorp Variant Classification Summary - May 2015. Collection method: clinical testing. Allele origin: germline.
Comment: Variant summary: ABCA7 c.3619G>A (p.Ala1207Thr) results in a non-conservative amino acid change in the encoded protein sequence. Algorithms developed to predict the effect of missense changes on protein structure and function are either unavailable or do not agree on the potential impact of this missense change. The variant allele was found at a frequency of 8.3e-06 in 240428 control chromosomes. The available data on variant occurrences in the general population are insufficient to allow any conclusion about variant significance. To our knowledge, no occurrence of c.3619G>A in individuals affected with ABCA7-related conditions and no experimental evidence demonstrating its impact on protein function have been reported. ClinVar contains an entry for this variant (Variation ID: 3524595). Based on the evidence outlined above, the variant was classified as uncertain significance.

Ambry Genetics
Classification: Likely benign. Last evaluated: 2024-10-28. Review status: criteria provided, single submitter. Criteria: Ambry Variant Classification Scheme 2023. Collection method: clinical testing. Allele origin: germline.

NM_019112.4(ABCA7):c.3619G>A (p.Ala1207Thr)

Gene: ABCA7 (ATP binding cassette subfamily A member 7; plus strand). Cytogenetic location: 19p13.3.
Variant type: single nucleotide variant.
Coding change: c.3619G>A on transcript NM_019112.4 (MANE Select); coding-DNA position 3619, G replaced by A.
Protein change: p.Ala1207Thr; replaces alanine 1207 with threonine.
Molecular consequence: missense variant.
Genome position (GRCh38, 1-based): chr19:1,054,234, G>A. VCF-style: chr19-1054234-G-A. GRCh37 (hg19) VCF-style: chr19-1054233-G-A.
Other names: short protein forms A1207T.
Identifiers: ClinVar variation 3524595 (VCV003524595.2).